The following is an entry in ClinVar:

ClinVar aggregate classification (germline): Uncertain significance (1 of 4 stars; one submission).

Conditions:
Cardiovascular phenotype. Identifiers: MedGen CN230736.

gnomAD v4.1: 5 of 1,550,288 alleles (0.00032%); highest among the groups gnomAD compares: Non-Finnish European, 0.00044%; no homozygotes.

Submission:

Ambry Genetics
Classification: Uncertain significance for Cardiovascular phenotype. Last evaluated: 2025-03-02. Review status: criteria provided, single submitter. Criteria: Ambry Variant Classification Scheme 2023. Collection method: clinical testing. Allele origin: germline.
Comment: The p.G2000D variant (also known as c.5999G>A), located in coding exon 2 of the ZNF469 gene, results from a G to A substitution at nucleotide position 5999. The glycine at codon 2000 is replaced by aspartic acid, an amino acid with similar properties. This amino acid position is conserved. In addition, this alteration is predicted to be tolerated by in silico analysis. Based on the available evidence, the clinical significance of this variant remains unclear.

NM_001367624.2(ZNF469):c.6083G>A (p.Gly2028Asp)

Gene: ZNF469 (zinc finger protein 469; plus strand). Cytogenetic location: 16q24.2.
Variant type: single nucleotide variant.
Coding change: c.6083G>A on transcript NM_001367624.2 (MANE Select); coding-DNA position 6083, G replaced by A.
Protein change: p.Gly2028Asp; replaces glycine 2028 with aspartic acid.
Molecular consequence: missense variant.
Genome position (GRCh38, 1-based): chr16:88,433,553, G>A. VCF-style: chr16-88433553-G-A. GRCh37 (hg19) VCF-style: chr16-88499961-G-A.
Other names: NM_001127464.1:c.5999G>A; short protein forms G2028D.
Identifiers: ClinVar variation 3821163 (VCV003821163.1).